The following is an entry in ClinVar:

NM_001166108.2(PALLD):c.3154G>A (p.Gly1052Arg)

Genes: CBR4 (carbonyl reductase 4; minus strand), PALLD (palladin, cytoskeletal associated protein; plus strand). Cytogenetic location: 4q32.3.
Variant type: single nucleotide variant.
Coding change: c.3154G>A on transcript NM_001166108.2 (MANE Select); coding-DNA position 3154, G replaced by A.
Protein change: p.Gly1052Arg; replaces glycine 1052 with arginine.
Molecular consequence: missense variant.
Genome position (GRCh38, 1-based): chr4:168,924,350, G>A. VCF-style: chr4-168924350-G-A. GRCh37 (hg19) VCF-style: chr4-169845501-G-A.
Other names: c.1957G>A, p.Gly653Arg (NM_001166109.2); c.1642G>A, p.Gly548Arg (NM_001166110.2); c.982G>A, p.Gly328Arg (NM_001367567.1, NM_001367569.1); c.1033G>A, p.Gly345Arg (NM_001367568.1, NM_001367570.1); c.3103G>A, p.Gly1035Arg (NM_016081.4); short protein forms G345R, G548R, G1035R, G1052R, G328R, G653R.
Identifiers: ClinVar variation 3885320 (VCV003885320.1).

ClinVar aggregate classification (germline): Uncertain significance (1 of 4 stars; one submission).

gnomAD v4.1: 1 of 1,613,864 alleles (0.000062%); highest among the groups gnomAD compares: Non-Finnish European, 0.000085%; no homozygotes.

Submission:

Ambry Genetics
Classification: Uncertain significance. Last evaluated: 2025-01-30. Review status: criteria provided, single submitter. Criteria: Ambry Variant Classification Scheme 2023. Collection method: clinical testing. Allele origin: germline.
Comment: The p.G548R variant (also known as c.1642G>A), located in coding exon 9 of the PALLD gene, results from a G to A substitution at nucleotide position 1642. The glycine at codon 548 is replaced by arginine, an amino acid with dissimilar properties. This amino acid position is conserved. In addition, this alteration is predicted to be deleterious by in silico analysis. Based on the available evidence, the clinical significance of this variant remains unclear.